The following is an entry in ClinVar:

ClinVar aggregate classification (germline): Uncertain significance (1 of 4 stars; one submission).

Submission:

GeneDx
Classification: Uncertain significance. Last evaluated: 2025-02-24. Review status: criteria provided, single submitter. Criteria: GeneDx Variant Classification Process June 2021. Collection method: clinical testing. Allele origin: germline. Affected: yes.
Comment: mRNA functional studies show that c.6108 C>T results in abnormal splicing and exon 19 skipping in approximately 52% of transcript (PMID: 34242570); Also known as p.(Y2017=); This variant is associated with the following publications: (PMID: 23088352, 34242570)

NM_000132.4(F8):c.6108C>T (p.Tyr2036=)

Gene: F8 (coagulation factor VIII; minus strand). Cytogenetic location: Xq28.
Variant type: single nucleotide variant.
Coding change: c.6108C>T on transcript NM_000132.4 (MANE Select); coding-DNA position 6108, C replaced by T.
Protein change: p.Tyr2036=; no amino-acid change (tyrosine 2036 retained).
Molecular consequence: synonymous variant.
Genome position (GRCh38, 1-based): chrX:154,902,058, G>A on the plus strand (C>T on the coding strand, the complement: F8 is on the minus strand). VCF-style: chrX-154902058-G-A. GRCh37 (hg19) VCF-style: chrX-154130333-G-A.
Identifiers: ClinVar variation 4076572 (VCV004076572.1).